The following is an entry in ClinVar:

ClinVar aggregate classification (germline): Uncertain significance. Review status: criteria provided, multiple submitters, no conflicts (2 of 4 stars). 2 submissions from 2 submitters: Uncertain significance (2). Last evaluated 2026-05-23.

Conditions:
Cardiovascular phenotype. Identifiers: MedGen CN230736.
Dilated cardiomyopathy 1JJ (CMD1JJ). Identifiers: Orphanet 154, MedGen C3808935, MONDO:0014095, OMIM 615235.

gnomAD v4.1: 2 of 1,613,954 alleles (0.00012%); highest among the groups gnomAD compares: Non-Finnish European, 0.00017%; no homozygotes.

Submissions (2):

Ambry Genetics
Classification: Uncertain significance for Cardiovascular phenotype. Last evaluated: 2026-05-23. Review status: criteria provided, single submitter. Criteria: Ambry Variant Classification Scheme 2023. Collection method: clinical testing. Allele origin: germline.
Comment: The p.C157R variant (also known as c.469T>C), located in coding exon 4 of the LAMA4 gene, results from a T to C substitution at nucleotide position 469. The cysteine at codon 157 is replaced by arginine, an amino acid with highly dissimilar properties. This amino acid position is conserved. In addition, this alteration is predicted to be deleterious by in silico analysis. Based on the available evidence, the clinical significance of this variant remains unclear.

Labcorp Genetics (formerly Invitae), Labcorp
Classification: Uncertain significance for Dilated cardiomyopathy 1JJ. Last evaluated: 2025-01-27. Review status: criteria provided, single submitter. Criteria: Invitae Variant Classification Sherloc (09022015). Collection method: clinical testing. Allele origin: germline.
Comment: This sequence change replaces cysteine, which is neutral and slightly polar, with arginine, which is basic and polar, at codon 157 of the LAMA4 protein (p.Cys157Arg). This variant is not present in population databases (gnomAD no frequency). This variant has not been reported in the literature in individuals affected with LAMA4-related conditions. Invitae Evidence Modeling of protein sequence and biophysical properties (such as structural, functional, and spatial information, amino acid conservation, physicochemical variation, residue mobility, and thermodynamic stability) indicates that this missense variant is expected to disrupt LAMA4 protein function with a positive predictive value of 80%. In summary, the available evidence is currently insufficient to determine the role of this variant in disease. Therefore, it has been classified as a Variant of Uncertain Significance.

NM_001105206.3(LAMA4):c.469T>C (p.Cys157Arg)

Gene: LAMA4 (laminin subunit alpha 4; minus strand). Cytogenetic location: 6q21.
Variant type: single nucleotide variant.
Coding change: c.469T>C on transcript NM_001105206.3 (MANE Select); coding-DNA position 469, T replaced by C.
Protein change: p.Cys157Arg; replaces cysteine 157 with arginine.
Molecular consequence: missense variant.
Genome position (GRCh38, 1-based): chr6:112,201,642, A>G on the plus strand (T>C on the coding strand, the complement: LAMA4 is on the minus strand). VCF-style: chr6-112201642-A-G. GRCh37 (hg19) VCF-style: chr6-112522843-A-G.
Other names: c.469T>C, p.Cys157Arg (NM_001105207.3, NM_002290.5); short protein forms C157R.
Identifiers: ClinVar variation 3718644 (VCV003718644.3).